The following is an entry in ClinVar:

NM_000038.6(APC):c.5550_5579delinsG (p.Gly1851fs)

Gene: APC (APC regulator of Wnt signaling pathway; plus strand). Cytogenetic location: 5q22.2.
Variant type: Indel.
Coding change: c.5550_5579delinsG on transcript NM_000038.6 (MANE Select); coding-DNA positions 5550 to 5579, AGGAACTCCTTACTGTTTTTCACGAAATGA replaced by G.
Protein change: p.Gly1851fs; shifts the reading frame from glycine 1851.
Molecular consequence: frameshift variant. On other transcripts: non-coding transcript variant (2).
Genome position (GRCh38, 1-based): chr5:112,841,144-112,841,173, AGGAACTCCTTACTGTTTTTCACGAAATGA replaced by G. VCF-style: chr5-112841144-AGGAACTCCTTACTGTTTTTCACGAAATGA-G. GRCh37 (hg19) VCF-style: chr5-112176841-AGGAACTCCTTACTGTTTTTCACGAAATGA-G.
Other names: c.5550_5579delinsG, p.Gly1851fs (NM_001127510.3, NM_001354895.2, NM_001407450.1); c.5496_5525delinsG, p.Gly1833fs (NM_001127511.3); c.5604_5633delinsG, p.Gly1869fs (NM_001354896.2, NM_001407447.1, NM_001407448.1 and 1 more transcripts); c.5580_5609delinsG, p.Gly1861fs (NM_001354897.2); c.5475_5504delinsG, p.Gly1826fs (NM_001354898.2); c.5466_5495delinsG, p.Gly1823fs (NM_001354899.2); c.5427_5456delinsG, p.Gly1810fs (NM_001354900.2); c.5373_5402delinsG, p.Gly1792fs (NM_001354901.2, NM_001407453.1); and 11 more; short protein forms G1467fs, G1568fs, G1691fs, G1722fs, G1725fs, G1750fs, G1760fs, G1768fs.
Identifiers: ClinVar variation 2583776 (VCV002583776.2), dbSNP rs2533651780, ClinGen allele CA2582341451.

ClinVar aggregate classification (germline): Pathogenic (1 of 4 stars; one submission).

Conditions:
Familial adenomatous polyposis 1 (FAP1). Also called: FAMILIAL ADENOMATOUS POLYPOSIS 1, ATTENUATED; POLYPOSIS, ADENOMATOUS INTESTINAL. Identifiers: MedGen C2713442, MONDO:0021056, OMIM 175100. Disease mechanism: loss of function.

Submission:

Myriad Genetics, Inc.
Classification: Pathogenic for Familial adenomatous polyposis 1. Last evaluated: 2023-05-12. Review status: criteria provided, single submitter. Criteria: Myriad Autosomal Dominant, Autosomal Recessive and X-Linked Classification Criteria (2023). Collection method: clinical testing. Allele origin: unknown.
Comment: This variant is considered pathogenic. This variant creates a frameshift predicted to result in premature protein truncation.